The following is an entry in ClinVar:

ClinVar aggregate classification (germline): Likely benign (1 of 4 stars; one submission).

Allele frequency attached by ClinVar (database versions not stated): gnomAD 0.00007; TOPMed 0.00008; gnomAD exomes 0.00011; ExAC 0.00028.
gnomAD v4.1: 183 of 1,613,364 alleles (0.011%); highest among the groups gnomAD compares: South Asian, 0.092%; no homozygotes.

Submission:

CeGaT Center for Human Genetics Tuebingen
Classification: Likely benign. Last evaluated: 2022-05-01. Review status: criteria provided, single submitter. Criteria: CeGaT Center For Human Genetics Tuebingen Variant Classification Criteria Version 2. Collection method: clinical testing. Allele origin: germline. Affected: yes. Observed: 1 variant allele.
Comment: SEC31A: BP4, BP7

NM_001077207.4(SEC31A):c.2874A>G (p.Pro958=)

Gene: SEC31A (SEC31 homolog A, COPII component; minus strand). Cytogenetic location: 4q21.22.
Variant type: single nucleotide variant.
Coding change: c.2874A>G on transcript NM_001077207.4 (MANE Select); coding-DNA position 2874, A replaced by G.
Protein change: p.Pro958=; no amino-acid change (proline 958 retained).
Molecular consequence: synonymous variant. On other transcripts: intron variant (9).
Genome position (GRCh38, 1-based): chr4:82,842,234, T>C on the plus strand (A>G on the coding strand, the complement: SEC31A is on the minus strand). VCF-style: chr4-82842234-T-C. GRCh37 (hg19) VCF-style: chr4-83763387-T-C.
Other names: c.2874A>G, p.Pro958= (NM_001077208.4, NM_001318119.2, NM_001318120.2 and 10 more transcripts); c.2859A>G, p.Pro953= (NM_001191049.2, NM_001400212.1, NM_001400214.1); c.2757A>G, p.Pro919= (NM_001300745.3, NM_001400198.1, NM_001400202.1 and 4 more transcripts); c.2967A>G, p.Pro989= (NM_001400154.1, NM_001400155.1, NM_001400156.1); c.2889A>G, p.Pro963= (NM_001400160.1); c.2850A>G, p.Pro950= (NM_001400161.1, NM_001400167.1, NM_001400168.1); c.2928A>G, p.Pro976= (NM_001400162.1); c.2835A>G, p.Pro945= (NM_001400165.1, NM_001400184.1, NM_001400186.1 and 4 more transcripts); and 7 more.
Identifiers: ClinVar variation 2654847 (VCV002654847.24), dbSNP rs771768482, ClinGen allele CA2986172.